The following is an entry in ClinVar:

ClinVar aggregate classification (germline): Likely benign. Review status: criteria provided, single submitter (1 of 4 stars). 2 submissions from 2 submitters: Likely benign (1). 1 of the submissions does not count toward it. Last evaluated 2025-12-11.

Conditions:
Rubinstein-Taybi syndrome (RSTS). Identifiers: Orphanet 783, MedGen C0035934, MONDO:0019188.
CREBBP-related disorder. Also called: CREBBP-related condition; CREBBP-related disorders.

Allele frequency attached by ClinVar (database versions not stated): gnomAD 0.00001; ExAC 0.00002; gnomAD exomes 0.00002 and 0.00006; TOPMed 0.00002.
gnomAD v4.1: 26 of 1,613,830 alleles (0.0016%); highest among the groups gnomAD compares: East Asian, 0.053%; no homozygotes.

Submissions (2):

Labcorp Genetics (formerly Invitae), Labcorp
Classification: Likely benign for Rubinstein-Taybi syndrome. Last evaluated: 2025-12-11. Review status: criteria provided, single submitter. Criteria: Invitae Variant Classification Sherloc (09022015). Collection method: clinical testing. Allele origin: germline.

PreventionGenetics, part of Exact Sciences
Classification: Likely benign for CREBBP-related condition. Last evaluated: 2024-08-23. Review status: no assertion criteria provided. Collection method: clinical testing. Allele origin: germline. Not counted in ClinVar's aggregate classification.
Comment: This variant is classified as likely benign based on ACMG/AMP sequence variant interpretation guidelines (Richards et al. 2015 PMID: 25741868, with internal and published modifications).

NM_004380.3(CREBBP):c.2626G>A (p.Gly876Arg)

Gene: CREBBP (CREB binding lysine acetyltransferase; minus strand). Cytogenetic location: 16p13.3.
Variant type: single nucleotide variant.
Coding change: c.2626G>A on transcript NM_004380.3 (MANE Select); coding-DNA position 2626, G replaced by A.
Protein change: p.Gly876Arg; replaces glycine 876 with arginine.
Molecular consequence: missense variant.
Genome position (GRCh38, 1-based): chr16:3,770,824, C>T on the plus strand (G>A on the coding strand, the complement: CREBBP is on the minus strand). VCF-style: chr16-3770824-C-T. GRCh37 (hg19) VCF-style: chr16-3820825-C-T.
Other names: c.2512G>A, p.Gly838Arg (NM_001079846.1); short protein forms G876R, G838R.
Identifiers: ClinVar variation 798152 (VCV000798152.9), dbSNP rs746552957, ClinGen allele CA7870061.
Genomic context (GRCh38, chr16:3,770,824, plus strand): 5'-CGGAAGACGACACAGGAGTTGATGGCTGAGTGGGAGCTGCTGGCTGGGGAGGAGTCATCC[C>T]AGGTGGTGTCGTGTGCTGGAGAGATGGCATGCCAGCAGCCGTGGAAGCAGGAGGCGGTGT-3'
Protein context (NP_004371.2, residues 866-886): MPSLQHTTPP[Gly876Arg]MTPPQPAAPT